The following is an entry in ClinVar:

ClinVar aggregate classification (germline): Likely benign. Review status: criteria provided, multiple submitters, no conflicts (2 of 4 stars). 4 submissions from 4 submitters: Likely benign (3). 1 of the submissions does not count toward it. Last evaluated 2025-04-14.

Conditions:
Inborn genetic diseases. Identifiers: MedGen C0950123, MeSH D030342.
PPP1R21-related disorder. Also called: PPP1R21-related condition.

Allele frequency attached by ClinVar (database versions not stated): gnomAD exomes 0.00053 and 0.00082; ExAC 0.00092; gnomAD 0.00192 and 0.00200; TOPMed 0.00238; 1000 Genomes Project 30x 0.00265; 1000 Genomes Project 0.00280; ESP Exome Variant Server 0.00231.
gnomAD v4.1: 1,069 of 1,614,084 alleles (0.066%); highest among the groups gnomAD compares: African/African-American, 0.63%; 1 homozygote.

Submissions (4):

Ambry Genetics
Classification: Likely benign for Inborn genetic diseases. Last evaluated: 2025-04-14. Review status: criteria provided, single submitter. Criteria: Ambry Variant Classification Scheme 2023. Collection method: clinical testing. Allele origin: germline.

Labcorp Genetics (formerly Invitae), Labcorp
Classification: Likely benign. Last evaluated: 2018-03-30. Review status: criteria provided, single submitter. Criteria: Invitae Variant Classification Sherloc (09022015). Collection method: clinical testing. Allele origin: germline.

Breakthrough Genomics
Classification: Likely benign. Review status: criteria provided, single submitter. Criteria: ACMG Guidelines, 2015. Collection method: not provided. Allele origin: germline. Inheritance: Autosomal recessive inheritance. Affected: yes.

PreventionGenetics, part of Exact Sciences
Classification: Likely benign for PPP1R21-related condition. Last evaluated: 2021-06-14. Review status: no assertion criteria provided. Collection method: clinical testing. Allele origin: germline. Not counted in ClinVar's aggregate classification.
Comment: This variant is classified as likely benign based on ACMG/AMP sequence variant interpretation guidelines (Richards et al. 2015 PMID: 25741868, with internal and published modifications).

NM_001135629.3(PPP1R21):c.1499A>G (p.Tyr500Cys)

Gene: PPP1R21 (protein phosphatase 1 regulatory subunit 21; plus strand). Cytogenetic location: 2p16.3.
Variant type: single nucleotide variant.
Coding change: c.1499A>G on transcript NM_001135629.3 (MANE Select); coding-DNA position 1499, A replaced by G.
Protein change: p.Tyr500Cys; replaces tyrosine 500 with cysteine.
Molecular consequence: missense variant. On other transcripts: non-coding transcript variant (1).
Genome position (GRCh38, 1-based): chr2:48,491,070, A>G. VCF-style: chr2-48491070-A-G. GRCh37 (hg19) VCF-style: chr2-48718209-A-G.
Other names: c.1499A>G, p.Tyr500Cys (NM_001193475.2, NM_152994.5); short protein forms Y500C.
Identifiers: ClinVar variation 723818 (VCV000723818.7), dbSNP rs149438258, ClinGen allele CA1651359.
Genomic context (GRCh38, chr2:48,491,070, plus strand): 5'-TTGTTTAGATTGCATCCTTCTTCAGCAACAATTTGGACTACTTCATTGCTTCACTGAGCT[A>G]TGGACCTAAGGCAGCGAGTGGATTCATTAGTCCTCTTTCAGCTGAATGCATGCTACAGTA-3'
Protein context (NP_001129101.1, residues 490-510): NLDYFIASLS[Tyr500Cys]GPKAASGFIS